The following is an entry in ClinVar:

NC_000018.9:g.(?_2920291)_(2940730_?)del

Gene: LPIN2 (lipin 2; minus strand). Cytogenetic location: 18p11.31.
Variant type: Deletion.
Identifiers: ClinVar variation 1411845 (VCV001411845.8).

ClinVar aggregate classification (germline): Uncertain significance (1 of 4 stars; one submission).

Conditions:
Majeed syndrome (MJDS). Also called: CHRONIC RECURRENT MULTIFOCAL OSTEOMYELITIS 1, WITH CONGENITAL DYSERYTHROPOIETIC ANEMIA, WITH OR WITHOUT NEUTROPHILIC DERMATOSIS; LPIN2-Related Majeed Syndrome. Identifiers: Orphanet 77297, MedGen C1864997, MONDO:0012316, OMIM 609628.

Submission:

Labcorp Genetics (formerly Invitae), Labcorp
Classification: Uncertain significance for Majeed syndrome. Last evaluated: 2022-07-19. Review status: criteria provided, single submitter. Criteria: Invitae Variant Classification Sherloc (09022015). Collection method: clinical testing. Allele origin: germline.
Comment: In summary, the available evidence is currently insufficient to determine the role of this variant in disease. Therefore, it has been classified as a Variant of Uncertain Significance. Experimental studies and prediction algorithms are not available or were not evaluated, and the functional significance of this variant is currently unknown. This variant has not been reported in the literature in individuals affected with LPIN2-related conditions. This variant is a gross deletion of the genomic region encompassing exon(s) 5-20 of the LPIN2 gene, which includes the termination codon. This deletion extends beyond the assayed region for this gene and therefore may encompass additional genes. While this deletion is not anticipated to lead to nonsense mediated decay, it is expected to alter mRNA translation or result in a truncated protein product.